The following is an entry in ClinVar:

ClinVar aggregate classification (germline): Conflicting classifications of pathogenicity. Review status: criteria provided, conflicting classifications (1 of 4 stars). 7 submissions from 7 submitters: Uncertain significance (6); Likely benign (1). Last evaluated 2025-12-19.

Conditions:
Cardiovascular phenotype. Identifiers: MedGen CN230736.
Hypertrophic cardiomyopathy. Also called: HYPERTROPHIC MYOCARDIOPATHY. Identifiers: Orphanet 217569, MedGen C0007194, MeSH D002312, MONDO:0005045, HP:0001639.
Hypertrophic cardiomyopathy 17. Identifiers: MedGen C3151264, MONDO:0013474, OMIM 613873.

Allele frequency attached by ClinVar (database versions not stated): TOPMed below 0.00001; gnomAD 0.00001 and 0.00003.
gnomAD v4.1: 90 of 1,606,576 alleles (0.0056%); highest among the groups gnomAD compares: South Asian, 0.084%; 1 homozygote.

Submissions (7):

Labcorp Genetics (formerly Invitae), Labcorp
Classification: Uncertain significance for Hypertrophic cardiomyopathy. Last evaluated: 2025-12-19. Review status: criteria provided, single submitter. Criteria: Invitae Variant Classification Sherloc (09022015). Collection method: clinical testing. Allele origin: germline.
Comment: This sequence change replaces glutamic acid, which is acidic and polar, with lysine, which is basic and polar, at codon 280 of the JPH2 protein (p.Glu280Lys). This variant is present in population databases (rs748282723, gnomAD 0.07%), and has an allele count higher than expected for a pathogenic variant. This variant has not been reported in the literature in individuals affected with JPH2-related conditions. ClinVar contains an entry for this variant (Variation ID: 429669). An algorithm developed to predict the effect of missense changes on protein structure and function (PolyPhen-2) suggests that this variant is likely to be tolerated. In summary, the available evidence is currently insufficient to determine the role of this variant in disease. Therefore, it has been classified as a Variant of Uncertain Significance.

CeGaT Center for Human Genetics Tuebingen
Classification: Uncertain significance. Last evaluated: 2025-10-01. Review status: criteria provided, single submitter. Criteria: CeGaT Center For Human Genetics Tuebingen Variant Classification Criteria Version 2. Collection method: clinical testing. Allele origin: germline. Affected: yes. Observed: 1 variant allele.

GeneDx
Classification: Uncertain significance. Last evaluated: 2025-07-07. Review status: criteria provided, single submitter. Criteria: GeneDx Variant Classification Process June 2021. Collection method: clinical testing. Allele origin: germline. Affected: yes.
Comment: In silico analysis supports that this missense variant has a deleterious effect on protein structure/function; Has not been previously published as pathogenic or benign to our knowledge

Ambry Genetics
Classification: Likely benign for Cardiovascular phenotype. Last evaluated: 2020-11-18. Review status: criteria provided, single submitter. Criteria: Ambry Variant Classification Scheme 2023. Collection method: clinical testing. Allele origin: germline.

Fulgent Genetics
Classification: Uncertain significance for Hypertrophic cardiomyopathy 17. Last evaluated: 2018-10-31. Review status: criteria provided, single submitter. Criteria: ACMG Guidelines, 2015. Collection method: clinical testing. Allele origin: unknown.

Baylor Genetics
Classification: Uncertain significance for Hypertrophic cardiomyopathy 17. Last evaluated: 2018-04-25. Review status: criteria provided, single submitter. Criteria: ACMG Guidelines, 2015. Collection method: clinical testing. Allele origin: maternal. Affected: yes.
Comment: This variant was determined to be of uncertain significance according to ACMG Guidelines, 2015 [PMID:25741868].

Neuberg Centre For Genomic Medicine, NCGM
Classification: Uncertain significance for Hypertrophic cardiomyopathy 17. Review status: criteria provided, single submitter. Criteria: ACMG Guidelines, 2015. Collection method: clinical testing. Allele origin: germline. Inheritance: Autosomal dominant inheritance. Affected: yes.
Comment: The missense variant p.E280K in JPH2 (NM_020433.5) has not been reported previously as a pathogenic variant nor as a benign variant, to our knowledge. It has been submitted to ClinVar as Uncertain Significance.The p.E280K variant is observed in 20/28,876 (0.0693%) alleles from individuals of South Asian background in gnomAD Exomes, which is greater than expected for the disorder. There is a small physicochemical difference between glutamic acid and lysine, which is not likely to impact secondary protein structure as these residues share similar properties. The p.E280K missense variant is predicted to be damaging by both SIFT and PolyPhen2. The nucleotide c.838 in JPH2 is predicted conserved by GERP++ and PhyloP across 100 vertebrates. For these reasons, this variant has been classified as Uncertain Significance.

NM_020433.5(JPH2):c.838G>A (p.Glu280Lys)

Gene: JPH2 (junctophilin 2; minus strand). Cytogenetic location: 20q13.12.
Variant type: single nucleotide variant.
Coding change: c.838G>A on transcript NM_020433.5 (MANE Select); coding-DNA position 838, G replaced by A.
Protein change: p.Glu280Lys; replaces glutamic acid 280 with lysine.
Molecular consequence: missense variant.
Genome position (GRCh38, 1-based): chr20:44,159,949, C>T on the plus strand (G>A on the coding strand, the complement: JPH2 is on the minus strand). VCF-style: chr20-44159949-C-T. GRCh37 (hg19) VCF-style: chr20-42788589-C-T.
Other names: short protein forms E280K.
Identifiers: ClinVar variation 429669 (VCV000429669.19), dbSNP rs748282723, ClinGen allele CA9868802.